The following is an entry in ClinVar:

ClinVar aggregate classification (germline): Uncertain significance (1 of 4 stars; one submission).

Submission:

GeneDx
Classification: Uncertain significance. Last evaluated: 2024-11-18. Review status: criteria provided, single submitter. Criteria: GeneDx Variant Classification Process June 2021. Collection method: clinical testing. Allele origin: germline. Affected: yes.
Comment: Not observed at significant frequency in large population cohorts (gnomAD); In silico analysis supports that this missense variant has a deleterious effect on protein structure/function; Has not been previously published as pathogenic or benign to our knowledge

NM_152296.5(ATP1A3):c.1743G>C (p.Met581Ile)

Gene: ATP1A3 (ATPase Na+/K+ transporting subunit alpha 3; minus strand). Cytogenetic location: 19q13.2.
Variant type: single nucleotide variant.
Coding change: c.1743G>C on transcript NM_152296.5 (MANE Select); coding-DNA position 1743, G replaced by C.
Protein change: p.Met581Ile; replaces methionine 581 with isoleucine.
Molecular consequence: missense variant.
Genome position (GRCh38, 1-based): chr19:41,978,214, C>G on the plus strand (G>C on the coding strand, the complement: ATP1A3 is on the minus strand). VCF-style: chr19-41978214-C-G. GRCh37 (hg19) VCF-style: chr19-42482366-C-G.
Other names: c.1776G>C, p.Met592Ile (NM_001256213.2); c.1782G>C, p.Met594Ile (NM_001256214.2); short protein forms M581I, M592I, M594I.
Identifiers: ClinVar variation 3899402 (VCV003899402.1).
Genomic context (GRCh38, chr19:41,978,214, plus strand): 5'-GATGCCTGCGCTGCGACACTTGCCCACCGCGTCAGGGACGGCTGCCCGGGGTGGGTCGAT[C>G]ATGGACATGAGGCCCACAAAGCAGAGGTTGTCCGTGGTGAAGTTCACGTCATCACAGTCG-3'
Protein context (NP_689509.1, residues 571-591): DNLCFVGLMS[Met581Ile]IDPPRAAVPD